The following is an entry in ClinVar:

ClinVar aggregate classification (germline): Benign. Review status: criteria provided, single submitter (1 of 4 stars). 2 submissions from 2 submitters: Benign (1). 1 of the submissions does not count toward it. Last evaluated 2026-01-26.

Conditions:
QRSL1-related disorder. Also called: QRSL1-related condition.

Allele frequency attached by ClinVar (database versions not stated): 1000 Genomes Project 0.00899; ExAC 0.01565; 1000 Genomes Project 30x 0.00874; gnomAD exomes 0.01571 and 0.02207; gnomAD 0.01617 and 0.01651; TOPMed 0.01716; ESP Exome Variant Server 0.02091.
gnomAD v4.1: 34,404 of 1,606,320 alleles (2.1%); highest among the groups gnomAD compares: Non-Finnish European, 2.6%; 474 homozygotes.

Submissions (2):

Labcorp Genetics (formerly Invitae), Labcorp
Classification: Benign. Last evaluated: 2026-01-26. Review status: criteria provided, single submitter. Criteria: Invitae Variant Classification Sherloc (09022015). Collection method: clinical testing. Allele origin: germline.

PreventionGenetics, part of Exact Sciences
Classification: Benign for QRSL1-related condition. Last evaluated: 2019-02-19. Review status: no assertion criteria provided. Collection method: clinical testing. Allele origin: germline. Not counted in ClinVar's aggregate classification.
Comment: This variant is classified as benign based on ACMG/AMP sequence variant interpretation guidelines (Richards et al. 2015 PMID: 25741868, with internal and published modifications).

NM_018292.5(QRSL1):c.1063G>T (p.Val355Leu)

Gene: QRSL1 (glutaminyl-tRNA amidotransferase subunit QRSL1; plus strand). Cytogenetic location: 6q21.
Variant type: single nucleotide variant.
Coding change: c.1063G>T on transcript NM_018292.5 (MANE Select); coding-DNA position 1063, G replaced by T.
Protein change: p.Val355Leu; replaces valine 355 with leucine.
Molecular consequence: missense variant.
Genome position (GRCh38, 1-based): chr6:106,655,635, G>T. VCF-style: chr6-106655635-G-T. GRCh37 (hg19) VCF-style: chr6-107103510-G-T.
Other names: c.1063G>T (NM_018292.4); short protein forms V355L.
Identifiers: ClinVar variation 1600783 (VCV001600783.10), dbSNP rs118029715, ClinGen allele CA3944942.